The following is an entry in ClinVar:

NM_004963.4(GUCY2C):c.1683A>G (p.Ile561Met)

Gene: GUCY2C (guanylate cyclase 2C; minus strand). Cytogenetic location: 12p12.3.
Variant type: single nucleotide variant.
Coding change: c.1683A>G on transcript NM_004963.4 (MANE Select); coding-DNA position 1683, A replaced by G.
Protein change: p.Ile561Met; replaces isoleucine 561 with methionine.
Molecular consequence: missense variant.
Genome position (GRCh38, 1-based): chr12:14,651,434, T>C on the plus strand (A>G on the coding strand, the complement: GUCY2C is on the minus strand). VCF-style: chr12-14651434-T-C. GRCh37 (hg19) VCF-style: chr12-14804368-T-C.
Other names: short protein forms I561M.
Identifiers: ClinVar variation 2703609 (VCV002703609.3), dbSNP rs2497710148, ClinGen allele CA383988332.

ClinVar aggregate classification (germline): Uncertain significance (1 of 4 stars; one submission).

Allele frequency attached by ClinVar (database versions not stated): gnomAD exomes below 0.00001.
gnomAD v4.1: 1 of 1,593,752 alleles (0.000063%); highest among the groups gnomAD compares: Non-Finnish European, 0.000086%; no homozygotes.

Submission:

Labcorp Genetics (formerly Invitae), Labcorp
Classification: Uncertain significance. Last evaluated: 2023-06-09. Review status: criteria provided, single submitter. Criteria: Invitae Variant Classification Sherloc (09022015). Collection method: clinical testing. Allele origin: germline.
Comment: In summary, the available evidence is currently insufficient to determine the role of this variant in disease. Therefore, it has been classified as a Variant of Uncertain Significance. Advanced modeling of protein sequence and biophysical properties (such as structural, functional, and spatial information, amino acid conservation, physicochemical variation, residue mobility, and thermodynamic stability) performed at Invitae indicates that this missense variant is not expected to disrupt GUCY2C protein function. This variant has not been reported in the literature in individuals affected with GUCY2C-related conditions. This variant is not present in population databases (gnomAD no frequency). This sequence change replaces isoleucine, which is neutral and non-polar, with methionine, which is neutral and non-polar, at codon 561 of the GUCY2C protein (p.Ile561Met).